The following is an entry in ClinVar:

NM_000138.5(FBN1):c.8103_8106del (p.Ser2702fs)

Gene: FBN1 (fibrillin 1; minus strand). Cytogenetic location: 15q21.1.
Variant type: Deletion.
Coding change: c.8103_8106del on transcript NM_000138.5 (MANE Select); coding-DNA positions 8103 to 8106, 4 bases deleted (CAGT; older notation c.8103_8106delCAGT).
Protein change: p.Ser2702fs; shifts the reading frame from serine 2702.
Molecular consequence: frameshift variant.
Genome position (GRCh38, 1-based): chr15:48,412,689-48,412,692, ACTG deleted on the plus strand (CAGT on the coding strand, the reverse complement: FBN1 is on the minus strand); deleting any 4 consecutive bases within chr15:48,412,689-48,412,694 gives the same sequence; the c. name uses the placement nearest the transcript's 3' end. VCF-style (leftmost placement, unchanged base first): chr15-48412688-CACTG-C. GRCh37 (hg19) VCF-style: chr15-48704885-CACTG-C.
Other names: c.8103_8106del, p.Ser2702fs (NM_001406716.1); short protein forms S2702fs.
Identifiers: ClinVar variation 4072282 (VCV004072282.1).

ClinVar aggregate classification (germline): Likely pathogenic (1 of 4 stars; one submission).

Conditions:
Marfan syndrome (MFS). Also called: MARFAN SYNDROME, TYPE I; Marfan syndrome type 1; Marfan's syndrome; FBN1-Related Marfan Syndrome; Marfan syndrome, classic. Identifiers: Orphanet 284963, Orphanet 558, MedGen C0024796, MONDO:0007947, OMIM 154700.

Submission:

3billion
Classification: Likely pathogenic for Marfan syndrome. Last evaluated: 2024-07-18. Review status: criteria provided, single submitter. Criteria: ACMG Guidelines, 2015. Collection method: clinical testing. Allele origin: germline. Affected: yes.
Comment: The variant is not observed in the gnomAD v4.0.0 dataset. Predicted Consequence/Location: Frameshift: predicted to result in a loss or disruption of normal protein function through nonsense-mediated decay (NMD) or protein truncation. Multiple pathogenic variants are reported downstream of the variant. Therefore, this variant is classified as Likely pathogenic according to the recommendation of ACMG/AMP guideline.